The following is an entry in ClinVar:

NM_003620.4(PPM1D):c.1220del (p.Cys407fs)

Gene: PPM1D (protein phosphatase, Mg2+/Mn2+ dependent 1D; plus strand). Cytogenetic location: 17q23.2.
Variant type: Deletion.
Coding change: c.1220del on transcript NM_003620.4 (MANE Select); coding-DNA position 1220, one base deleted (G; older notation c.1220delG).
Protein change: p.Cys407fs; shifts the reading frame from cysteine 407.
Molecular consequence: frameshift variant.
Genome position (GRCh38, 1-based): chr17:60,656,801, G deleted. VCF-style (leftmost placement, unchanged base first): chr17-60656800-TG-T. GRCh37 (hg19) VCF-style: chr17-58734161-TG-T.
Other names: short protein forms C407fs.
Identifiers: ClinVar variation 3728909 (VCV003728909.3).

ClinVar aggregate classification (germline): Conflicting classifications of pathogenicity. Review status: criteria provided, conflicting classifications (1 of 4 stars). 2 submissions from 2 submitters: Likely pathogenic (1); Uncertain significance (1). Last evaluated 2025-09-02.

Conditions:
Intellectual developmental disorder with gastrointestinal difficulties and high pain threshold (JDVS). Also called: JANSEN-DE VRIES SYNDROME. Identifiers: Orphanet 653767, MedGen C4479517, MONDO:0044318, OMIM 617450.

Submissions (2):

Laboratorio de Biologia Molecular/Medicina Genomica - IFF/Fiocruz, Instituto Fernandes Figueira, Fundacao Oswaldo Cruz
Classification: Uncertain significance for Intellectual developmental disorder with gastrointestinal difficulties and high pain threshold. Last evaluated: 2025-09-02. Review status: criteria provided, single submitter. Criteria: ACMG Guidelines, 2015. Collection method: clinical testing. Allele origin: germline. Affected: yes. Observed: 1 variant allele.
Comment: Variant: c.1220del (p.Cys407LeufsTer2) in exon 5 of the PPM1D gene. Protein effect: Frameshift variant not predicted to undergo NMD, but truncated/altered region is critical to protein function. Population database (gnomAD): Absent. ACMG/AMP criteria applied: PVS1_Strong, PM2_Supporting.

Labcorp Genetics (formerly Invitae), Labcorp
Classification: Likely pathogenic. Last evaluated: 2025-03-06. Review status: criteria provided, single submitter. Criteria: Invitae Variant Classification Sherloc (09022015). Collection method: clinical testing. Allele origin: germline.
Comment: This sequence change creates a premature translational stop signal (p.Cys407Leufs*2) in the PPM1D gene. While this is not anticipated to result in nonsense mediated decay, it is expected to disrupt the last 199 amino acid(s) of the PPM1D protein. This variant is not present in population databases (gnomAD no frequency). This premature translational stop signal has been observed in individual(s) with Jansen de Vries syndrome (internal). In at least one individual the variant was observed to be de novo. Experimental studies and prediction algorithms are not available or were not evaluated, and the functional significance of this variant is currently unknown. In summary, the currently available evidence indicates that the variant is pathogenic, but additional data are needed to prove that conclusively. Therefore, this variant has been classified as Likely Pathogenic.